The following is an entry in ClinVar:

ClinVar aggregate classification (germline): Uncertain significance. Review status: criteria provided, multiple submitters, no conflicts (2 of 4 stars). 2 submissions from 2 submitters: Uncertain significance (2). Last evaluated 2025-08-10.

Conditions:
Inborn genetic diseases. Identifiers: MedGen C0950123, MeSH D030342.
Neuropathy, hereditary sensory, type 1F. Also called: HSN IF; Hereditary sensory neuropathy type IF. Identifiers: Orphanet 36386, MedGen C3810194, MONDO:0014286, OMIM 615632.

Allele frequency attached by ClinVar (database versions not stated): gnomAD exomes below 0.00001; ExAC 0.00001; gnomAD 0.00006.

Submissions (2):

Ambry Genetics
Classification: Uncertain significance for Inborn genetic diseases. Last evaluated: 2025-08-10. Review status: criteria provided, single submitter. Criteria: Ambry Variant Classification Scheme 2023. Collection method: clinical testing. Allele origin: germline.

Labcorp Genetics (formerly Invitae), Labcorp
Classification: Uncertain significance for Neuropathy, hereditary sensory, type 1F. Last evaluated: 2023-12-25. Review status: criteria provided, single submitter. Criteria: Invitae Variant Classification Sherloc (09022015). Collection method: clinical testing. Allele origin: germline.
Comment: This sequence change replaces lysine, which is basic and polar, with threonine, which is neutral and polar, at codon 135 of the ATL3 protein (p.Lys135Thr). This variant is present in population databases (rs758581745, gnomAD 0.002%). This variant has not been reported in the literature in individuals affected with ATL3-related conditions. ClinVar contains an entry for this variant (Variation ID: 644572). An algorithm developed to predict the effect of missense changes on protein structure and function (PolyPhen-2) suggests that this variant is likely to be disruptive. In summary, the available evidence is currently insufficient to determine the role of this variant in disease. Therefore, it has been classified as a Variant of Uncertain Significance.

NM_015459.5(ATL3):c.404A>C (p.Lys135Thr)

Genes: LNCROPM (lncRNA regulator of PLAAT3 mediated phospholipid metabolism; plus strand), ATL3 (atlastin GTPase 3; minus strand). Cytogenetic location: 11q13.1.
Variant type: single nucleotide variant.
Coding change: c.404A>C on transcript NM_015459.5 (MANE Select); coding-DNA position 404, A replaced by C.
Protein change: p.Lys135Thr; replaces lysine 135 with threonine.
Molecular consequence: missense variant.
Genome position (GRCh38, 1-based): chr11:63,658,762, T>G on the plus strand (A>C on the coding strand, the complement: ATL3 is on the minus strand). VCF-style: chr11-63658762-T-G. GRCh37 (hg19) VCF-style: chr11-63426234-T-G.
Other names: c.350A>C, p.Lys117Thr (NM_001290048.2); short protein forms K117T, K135T.
Identifiers: ClinVar variation 644572 (VCV000644572.11), dbSNP rs758581745, ClinGen allele CA6063819.